The following is an entry in ClinVar:

NM_001267550.2(TTN):c.66630del (p.Asn22211fs)

Genes: TTN (titin; minus strand), TTN-AS1 (TTN antisense RNA 1; plus strand). Cytogenetic location: 2q31.2.
Variant type: Deletion.
Coding change: c.66630del on transcript NM_001267550.2 (MANE Select); coding-DNA position 66630, one base deleted (G; older notation c.66630delG).
Protein change: p.Asn22211fs; shifts the reading frame from asparagine 22211.
Molecular consequence: frameshift variant.
Genome position (GRCh38, 1-based): chr2:178,581,638, C deleted on the plus strand (G on the coding strand, the reverse complement: TTN is on the minus strand). VCF-style (leftmost placement, unchanged base first): chr2-178581637-TC-T. GRCh37 (hg19) VCF-style: chr2-179446364-TC-T.
Other names: c.66630delG (NM_001267550.2); c.61707del, p.Asn20570fs (NM_001256850.1); c.39435del, p.Asn13146fs (NM_003319.4); c.58926del, p.Asn19643fs (NM_133378.4); c.39810del, p.Asn13271fs (NM_133432.3); c.40011del, p.Asn13338fs (NM_133437.4); short protein forms N19643fs, N13338fs, N22211fs, N13146fs, N13271fs, N20570fs.
Identifiers: ClinVar variation 4993268 (VCV004993268.1).

ClinVar aggregate classification (germline): Likely pathogenic (1 of 4 stars; one submission).

Conditions:
TTN-related disorder. Also called: TTN-related disorders; TTN-related condition; TTN-related disease.

Submission:

PreventionGenetics, part of Exact Sciences
Classification: Likely pathogenic for TTN-related condition. Last evaluated: 2026-06-24. Review status: criteria provided, single submitter. Criteria: ACMG Guidelines, 2015. Collection method: clinical testing. Allele origin: germline.
Comment: The TTN c.66630delG variant is predicted to result in a frameshift and premature protein termination (p.Asn22211Ilefs*12). To our knowledge, this variant has not been reported in the literature or in a large population database (gnomAD), indicating this variant is rare. This variant is located in the A-band region of the protein in which truncating TTN variants have been found more frequently in dilated cardiomyopathy patients than in controls (Herman et al. 2012. PubMed ID: 22335739). RNAseq studies from heart tissue indicate this exon is commonly included in TTN mRNA transcripts (PSI of 100%, Roberts et al. 2015. PubMed ID: 25589632). TTN loss-of-function variants occurring in constitutively expressed exons (PSI > 90%) are more likely to be disease causing for TTN cardiac-related disorders regardless of band location (Roberts et al. 2015. PubMed ID: 25589632; Schafer et al. 2017. PubMed ID: 27869827; Akhtar et al. 2020. PubMed ID: 32964742). Many cases of recessive TTN-related myopathies in which the individual is compound heterozygous for two loss-of-function variants in TTN have also been reported (Oates et al. 2018. PubMed ID: 29691892; Ge et al. 2019. PubMed ID: 31053406; Rees et al. 2021. PubMed ID: 33449170). In summary, this variant is categorized as likely pathogenic. Of note, this variant is considered likely pathogenic for increased risk of TTN-related cardiac disorders, and also for autosomal recessive TTN-related congenital titinopathies.